The following is an entry in ClinVar:

ClinVar aggregate classification (germline): Likely pathogenic (1 of 4 stars; one submission).

Submission:

Mayo Clinic Laboratories, Mayo Clinic
Classification: Likely pathogenic. Last evaluated: 2025-09-02. Review status: criteria provided, single submitter. Criteria: ACMG Guidelines, 2015. Collection method: clinical testing. Allele origin: germline. Observed: 1 variant allele.
Comment: PP3_moderate, PM2_supporting, PS3_moderate, PS4

Literature cited by the submitters: PubMed 10595634; PubMed 23994528; PubMed 29296726; PubMed 9600455.

NM_000133.4(F9):c.1349A>G (p.Tyr450Cys)

Gene: F9 (coagulation factor IX; plus strand). Cytogenetic location: Xq27.1.
Variant type: single nucleotide variant.
Coding change: c.1349A>G on transcript NM_000133.4 (MANE Select); coding-DNA position 1349, A replaced by G.
Protein change: p.Tyr450Cys; replaces tyrosine 450 with cysteine.
Molecular consequence: missense variant.
Genome position (GRCh38, 1-based): chrX:139,562,034, A>G. VCF-style: chrX-139562034-A-G. GRCh37 (hg19) VCF-style: chrX-138644193-A-G.
Other names: p.Tyr450Cys; c.1235A>G, p.Tyr412Cys (NM_001313913.2); short protein forms Y412C, Y450C.
Identifiers: ClinVar variation 4542502 (VCV004542502.1).
Genomic context (GRCh38, chrX:139,562,034, plus strand): 5'-GCTGGGGTGAAGAGTGTGCAATGAAAGGCAAATATGGAATATATACCAAGGTATCCCGGT[A>G]TGTCAACTGGATTAAGGAAAAAACAAAGCTCACTTAATGAAAGATGGATTTCCAAGGTTA-3'
Protein context (NP_000124.1, residues 440-460): KYGIYTKVSR[Tyr450Cys]VNWIKEKTKL